The following is an entry in ClinVar:

NM_000059.4(BRCA2):c.6937+151A>G

Gene: BRCA2 (BRCA2 DNA repair associated; plus strand). Cytogenetic location: 13q13.1.
Variant type: single nucleotide variant.
Coding change: c.6937+151A>G on transcript NM_000059.4 (MANE Select); 151 bases into the intron after coding-DNA position 6937, A replaced by G.
Molecular consequence: intron variant.
Genome position (GRCh38, 1-based): chr13:32,344,804, A>G. VCF-style: chr13-32344804-A-G. GRCh37 (hg19) VCF-style: chr13-32918941-A-G.
Other names: IVS 12+151A>G.
Identifiers: ClinVar variation 209704 (VCV000209704.3), dbSNP rs4942439, ClinGen allele CA276672.

ClinVar aggregate classification (germline): Benign. Review status: reviewed by expert panel (3 of 4 stars). 2 submissions from 2 submitters: Benign (1). 1 of the submissions does not count toward it. Last evaluated 2015-01-12.

Conditions:
Breast-ovarian cancer, familial, susceptibility to, 2 (BROVCA2). Also called: BRCA2 Hereditary Breast and Ovarian Cancer. Identifiers: Orphanet 145, MedGen C2675520, MONDO:0012933, OMIM 612555. Disease mechanism: loss of function.

Allele frequency attached by ClinVar (database versions not stated): gnomAD exomes 0.17738; 1000 Genomes Project 0.18570; 1000 Genomes Project 30x 0.18691; gnomAD 0.20495 and 0.20974; TOPMed 0.20624.
gnomAD v4.1: 107,158 of 579,188 alleles (19%); highest among the groups gnomAD compares: African/African-American, 25%; 11,119 homozygotes.

Submissions (2):

Evidence-based Network for the Interpretation of Germline Mutant Alleles (ENIGMA)
Classification: Benign for Breast-ovarian cancer, familial 2. Last evaluated: 2015-01-12. Review status: reviewed by expert panel. Criteria: ENIGMA BRCA1/2 Classification Criteria (2015). Collection method: curation. Allele origin: germline.
Comment: Class 1 not pathogenic based on frequency >1% in an outbred sampleset. Frequency 0.07343 (Asian), 0.311 (African), 0.2018 (European), derived from 1000 genomes (2012-04-30).

GeneDx
Classification: Benign. Last evaluated: 2018-06-23. Review status: criteria provided, single submitter. Criteria: GeneDx Variant Classification Process June 2021. Collection method: clinical testing. Allele origin: germline. Affected: yes. Not counted in ClinVar's aggregate classification.